The following is an entry in ClinVar:

NM_006073.4(TRDN):c.1042G>C (p.Glu348Gln)

Gene: TRDN (triadin; minus strand). Cytogenetic location: 6q22.31.
Variant type: single nucleotide variant.
Coding change: c.1042G>C on transcript NM_006073.4 (MANE Select); coding-DNA position 1042, G replaced by C.
Protein change: p.Glu348Gln; replaces glutamic acid 348 with glutamine.
Molecular consequence: missense variant.
Genome position (GRCh38, 1-based): chr6:123,438,072, C>G on the plus strand (G>C on the coding strand, the complement: TRDN is on the minus strand). VCF-style: chr6-123438072-C-G. GRCh37 (hg19) VCF-style: chr6-123759217-C-G.
Other names: c.1045G>C, p.Glu349Gln (NM_001251987.2); c.985G>C, p.Glu329Gln (NM_001407315.1); short protein forms E329Q, E348Q, E349Q.
Identifiers: ClinVar variation 1774581 (VCV001774581.5), dbSNP rs763763290, ClinGen allele CA3984172.

ClinVar aggregate classification (germline): Uncertain significance. Review status: criteria provided, multiple submitters, no conflicts (2 of 4 stars). 2 submissions from 2 submitters: Uncertain significance (2). Last evaluated 2024-11-30.

Conditions:
Cardiovascular phenotype. Identifiers: MedGen CN230736.
Catecholaminergic polymorphic ventricular tachycardia 1. Also called: VENTRICULAR TACHYCARDIA, CATECHOLAMINERGIC POLYMORPHIC, 1, WITH OR WITHOUT ATRIAL DYSFUNCTION AND/OR DILATED CARDIOMYOPATHY; VENTRICULAR TACHYCARDIA, STRESS-INDUCED POLYMORPHIC 1; RYR2-Related Catecholaminergic Polymorphic Ventricular Tachycardia. Identifiers: Orphanet 3286, MedGen C1631597, MONDO:0011484, OMIM 604772.

Allele frequency attached by ClinVar (database versions not stated): gnomAD 0.00001; TOPMed 0.00001; ExAC 0.00004; gnomAD exomes 0.00004.
gnomAD v4.1: 61 of 1,593,618 alleles (0.0038%); highest among the groups gnomAD compares: Non-Finnish European, 0.0047%; no homozygotes.

Submissions (2):

Ambry Genetics
Classification: Uncertain significance for Cardiovascular phenotype. Last evaluated: 2024-11-30. Review status: criteria provided, single submitter. Criteria: Ambry Variant Classification Scheme 2023. Collection method: clinical testing. Allele origin: germline.
Comment: The p.E348Q variant (also known as c.1042G>C), located in coding exon 12 of the TRDN gene, results from a G to C substitution at nucleotide position 1042. The glutamic acid at codon 348 is replaced by glutamine, an amino acid with highly similar properties. This amino acid position is poorly conserved in available vertebrate species. In addition, this alteration is predicted to be tolerated by in silico analysis. Since supporting evidence is limited at this time, the clinical significance of this alteration remains unclear.

Labcorp Genetics (formerly Invitae), Labcorp
Classification: Uncertain significance for Catecholaminergic polymorphic ventricular tachycardia 1. Last evaluated: 2022-06-02. Review status: criteria provided, single submitter. Criteria: Invitae Variant Classification Sherloc (09022015). Collection method: clinical testing. Allele origin: germline.
Comment: This sequence change replaces glutamic acid, which is acidic and polar, with glutamine, which is neutral and polar, at codon 348 of the TRDN protein (p.Glu348Gln). This variant is present in population databases (rs763763290, gnomAD 0.01%). This variant has not been reported in the literature in individuals affected with TRDN-related conditions. Algorithms developed to predict the effect of missense changes on protein structure and function output the following: SIFT: "Tolerated"; PolyPhen-2: "Benign"; Align-GVGD: "Class C0". The glutamine amino acid residue is found in multiple mammalian species, which suggests that this missense change does not adversely affect protein function. In summary, the available evidence is currently insufficient to determine the role of this variant in disease. Therefore, it has been classified as a Variant of Uncertain Significance.